The following is an entry in ClinVar:

ClinVar aggregate classification (germline): Conflicting classifications of pathogenicity. Review status: criteria provided, conflicting classifications (1 of 4 stars). 4 submissions from 4 submitters: Uncertain significance (1); Likely benign (3). Last evaluated 2024-10-23.

Conditions:
Hereditary spastic paraplegia 12 (SPG12). Also called: SPASTIC PARAPLEGIA 12, AUTOSOMAL DOMINANT. Identifiers: Orphanet 100993, MedGen C1858106, MONDO:0011489, OMIM 604805.
Spastic paraplegia. Identifiers: MedGen C0037772, HP:0001258.
Inborn genetic diseases. Identifiers: MedGen C0950123, MeSH D030342.

Allele frequency attached by ClinVar (database versions not stated): gnomAD 0.00004 and 0.00005; gnomAD exomes 0.00006 and 0.00013; ESP Exome Variant Server 0.00008; TOPMed 0.00008; ExAC 0.00017.
gnomAD v4.1: 96 of 1,613,352 alleles (0.006%); highest among the groups gnomAD compares: South Asian, 0.032%; no homozygotes.

Submissions (4):

Labcorp Genetics (formerly Invitae), Labcorp
Classification: Likely benign for Spastic paraplegia. Last evaluated: 2024-10-23. Review status: criteria provided, single submitter. Criteria: Invitae Variant Classification Sherloc (09022015). Collection method: clinical testing. Allele origin: germline.

CeGaT Center for Human Genetics Tuebingen
Classification: Likely benign. Last evaluated: 2023-04-01. Review status: criteria provided, single submitter. Criteria: CeGaT Center For Human Genetics Tuebingen Variant Classification Criteria Version 2. Collection method: clinical testing. Allele origin: germline. Affected: yes. Observed: 1 variant allele.
Comment: RTN2: BP4

Ambry Genetics
Classification: Uncertain significance for Inborn genetic diseases. Last evaluated: 2022-01-04. Review status: criteria provided, single submitter. Criteria: Ambry Variant Classification Scheme 2023. Collection method: clinical testing. Allele origin: germline.

Illumina Laboratory Services, Illumina
Classification: Likely benign for Hereditary spastic paraplegia 12. Last evaluated: 2018-01-12. Review status: criteria provided, single submitter. Criteria: ICSL Variant Classification Criteria 13 December 2019. Collection method: clinical testing. Allele origin: germline.
Comment: This variant was observed in the ICSL laboratory as part of a predisposition screen in an ostensibly healthy population. It had not been previously curated by ICSL or reported in the Human Gene Mutation Database (HGMD: prior to June 1st, 2018), and was therefore a candidate for classification through an automated scoring system. Utilizing variant allele frequency, disease prevalence and penetrance estimates, and inheritance mode, an automated score was calculated to assess if this variant is too frequent to cause the disease. Based on the score and internal cut-off values, a variant classified as likely benign is not then subjected to further curation. The score for this variant resulted in a classification of likely benign for this disease.

NM_005619.5(RTN2):c.986G>A (p.Ser329Asn)

Genes: OPA3-RTN2 (OPA3-RTN2 readthrough; minus strand), RTN2 (reticulon 2; minus strand). Cytogenetic location: 19q13.32.
Variant type: single nucleotide variant.
Coding change: c.986G>A on transcript NM_005619.5 (MANE Select); coding-DNA position 986, G replaced by A.
Protein change: p.Ser329Asn; replaces serine 329 with asparagine.
Molecular consequence: missense variant. On other transcripts: 5 prime UTR variant (1), intron variant (1).
Genome position (GRCh38, 1-based): chr19:45,493,207, C>T on the plus strand (G>A on the coding strand, the complement: RTN2 is on the minus strand). VCF-style: chr19-45493207-C-T. GRCh37 (hg19) VCF-style: chr19-45996465-C-T.
Other names: c.-35G>A (NM_206901.3); c.814+959G>A (NM_206900.3); c.986G>A (NM_005619.3); short protein forms S329N.
Identifiers: ClinVar variation 329550 (VCV000329550.35), dbSNP rs145653668, ClinGen allele CA9516115.